The following is an entry in ClinVar:

NM_014712.3(SETD1A):c.566C>A (p.Thr189Asn)

Gene: SETD1A (SET domain containing 1A, histone lysine methyltransferase; plus strand). Cytogenetic location: 16p11.2.
Variant type: single nucleotide variant.
Coding change: c.566C>A on transcript NM_014712.3 (MANE Select); coding-DNA position 566, C replaced by A.
Protein change: p.Thr189Asn; replaces threonine 189 with asparagine.
Molecular consequence: missense variant.
Genome position (GRCh38, 1-based): chr16:30,963,481, C>A. VCF-style: chr16-30963481-C-A. GRCh37 (hg19) VCF-style: chr16-30974802-C-A.
Other names: short protein forms T189N.
Identifiers: ClinVar variation 4687070 (VCV004687070.2).

ClinVar aggregate classification (germline): Uncertain significance (1 of 4 stars; one submission).

Submission:

GeneDx
Classification: Uncertain significance. Last evaluated: 2026-02-27. Review status: criteria provided, single submitter. Criteria: GeneDx Variant Classification Process June 2021. Collection method: clinical testing. Allele origin: germline.
Comment: Not observed at significant frequency in large population cohorts (gnomAD); In silico analysis supports that this missense variant has a deleterious effect on protein structure/function; Has not been previously published as pathogenic or benign to our knowledge